The following is an entry in ClinVar:

NM_001164508.2(NEB):c.10798del (p.Leu3600fs)

Gene: NEB (nebulin; minus strand). Cytogenetic location: 2q23.3.
Variant type: Deletion.
Coding change: c.10798del on transcript NM_001164508.2 (MANE Select); coding-DNA position 10798, one base deleted (C; older notation c.10798delC).
Protein change: p.Leu3600fs; shifts the reading frame from leucine 3600.
Molecular consequence: frameshift variant.
Genome position (GRCh38, 1-based): chr2:151,619,525, G deleted on the plus strand (C on the coding strand, the reverse complement: NEB is on the minus strand). VCF-style (leftmost placement, unchanged base first): chr2-151619524-AG-A. GRCh37 (hg19) VCF-style: chr2-152476038-AG-A.
Other names: c.10798del, p.Leu3600fs (NM_001164507.2, NM_001271208.2); c.10069del, p.Leu3357fs (NM_004543.5); short protein forms L3600fs, L3357fs.
Identifiers: ClinVar variation 2832507 (VCV002832507.3), dbSNP rs2552232745, ClinGen allele CA2739271442.

ClinVar aggregate classification (germline): Pathogenic (1 of 4 stars; one submission).

Conditions:
Nemaline myopathy 2 (NEM2). Also called: Nemaline myopathy 2, autosomal recessive. Identifiers: MedGen C1850569, MONDO:0009725, OMIM 256030.

Submission:

Labcorp Genetics (formerly Invitae), Labcorp
Classification: Pathogenic for Nemaline myopathy 2. Last evaluated: 2023-02-03. Review status: criteria provided, single submitter. Criteria: Invitae Variant Classification Sherloc (09022015). Collection method: clinical testing. Allele origin: germline.
Comment: For these reasons, this variant has been classified as Pathogenic. This variant has not been reported in the literature in individuals affected with NEB-related conditions. This variant is not present in population databases (gnomAD no frequency). This sequence change creates a premature translational stop signal (p.Leu3600Cysfs*35) in the NEB gene. It is expected to result in an absent or disrupted protein product. Loss-of-function variants in NEB are known to be pathogenic (PMID: 25205138).

Literature cited by the submitters: PubMed 25205138.